The following is an entry in ClinVar:

ClinVar aggregate classification (germline): Uncertain significance (1 of 4 stars; one submission).

Conditions:
Neurofibromatosis, type 1 (NF1). Also called: VON RECKLINGHAUSEN DISEASE; NEUROFIBROMATOSIS, TYPE I, SOMATIC; Peripheral type neurofibromatosis; Neurofibromatosis, type I. Identifiers: Orphanet 636, MedGen C0027831, MONDO:0018975, OMIM 162200. Disease mechanism: loss of function.

Submission:

Labcorp Genetics (formerly Invitae), Labcorp
Classification: Uncertain significance for Neurofibromatosis, type 1. Last evaluated: 2025-02-05. Review status: criteria provided, single submitter. Criteria: Invitae Variant Classification Sherloc (09022015). Collection method: clinical testing. Allele origin: germline.
Comment: This sequence change falls in intron 30 of the NF1 gene. It does not directly change the encoded amino acid sequence of the NF1 protein. This variant is not present in population databases (gnomAD no frequency). This variant has been observed in individual(s) with clinical features of neurofibromatosis, type 1 (internal data). Studies have shown that this variant is associated with inconclusive levels of altered splicing (internal data). In summary, the available evidence is currently insufficient to determine the role of this variant in disease. Therefore, it has been classified as a Variant of Uncertain Significance.

NM_001042492.3(NF1):c.4111-388T>G

Gene: NF1 (neurofibromin 1; plus strand). Cytogenetic location: 17q11.2.
Variant type: single nucleotide variant.
Coding change: c.4111-388T>G on transcript NM_001042492.3 (MANE Select); 388 bases into the intron before coding-DNA position 4111, T replaced by G.
Molecular consequence: intron variant.
Genome position (GRCh38, 1-based): chr17:31,252,550, T>G. VCF-style: chr17-31252550-T-G. GRCh37 (hg19) VCF-style: chr17-29579568-T-G.
Other names: c.4110+3431T>G (NM_000267.4).
Identifiers: ClinVar variation 3723795 (VCV003723795.2).